The following is an entry in ClinVar:

ClinVar aggregate classification (germline): Conflicting classifications of pathogenicity. Review status: criteria provided, conflicting classifications (1 of 4 stars). 3 submissions from 3 submitters: Uncertain significance (1); Likely benign (1). 1 of the submissions does not count toward it. Last evaluated 2024-11-11.

Conditions:
Immunodeficiency 31B. Also called: STAT1 DEFICIENCY, AUTOSOMAL RECESSIVE; IMMUNODEFICIENCY 31B, MYCOBACTERIAL AND VIRAL INFECTIONS, AUTOSOMAL RECESSIVE. Identifiers: Orphanet 391311, MedGen C3151088, MONDO:0013427, OMIM 613796.
Autoimmune enteropathy and endocrinopathy - susceptibility to chronic infections syndrome. Also called: Immunodeficiency 31C; Immunodeficiency 31C, autosomal dominant. Identifiers: Orphanet 391487, MedGen C3279990, MONDO:0013599, OMIM 614162.
Mendelian susceptibility to mycobacterial diseases due to partial STAT1 deficiency. Also called: IMMUNODEFICIENCY 31A, MYCOBACTERIOSIS, AUTOSOMAL DOMINANT; STAT1 DEFICIENCY, AUTOSOMAL DOMINANT; Immunodeficiency 31a. Identifiers: Orphanet 319595, MedGen C4013950, MONDO:0013956, OMIM 614892.
STAT1-related disorder. Also called: STAT1-related condition.

Allele frequency attached by ClinVar (database versions not stated): gnomAD 0.00001 and 0.00003.
gnomAD v4.1: 2 of 1,613,972 alleles (0.00012%); highest among the groups gnomAD compares: Admixed American, 0.0017%; no homozygotes.

Submissions (3):

Labcorp Genetics (formerly Invitae), Labcorp
Classification: Uncertain significance for Mendelian susceptibility to mycobacterial diseases due to partial STAT1 deficiency; Immunodeficiency 31B; Autoimmune enteropathy and endocrinopathy - susceptibility to chronic infections syndrome. Last evaluated: 2024-11-11. Review status: criteria provided, single submitter. Criteria: Invitae Variant Classification Sherloc (09022015). Collection method: clinical testing. Allele origin: germline.
Comment: This sequence change affects codon 477 of the STAT1 mRNA. It is a 'silent' change, meaning that it does not change the encoded amino acid sequence of the STAT1 protein. This variant is present in population databases (no rsID available, gnomAD 0.1%). This variant has not been reported in the literature in individuals affected with STAT1-related conditions. ClinVar contains an entry for this variant (Variation ID: 650605). Algorithms developed to predict the effect of sequence changes on RNA splicing suggest that this variant may disrupt the consensus splice site. In summary, the available evidence is currently insufficient to determine the role of this variant in disease. Therefore, it has been classified as a Variant of Uncertain Significance.

Blueprint Genetics
Classification: Likely benign. Last evaluated: 2024-09-02. Review status: criteria provided, single submitter. Criteria: ACMG Guidelines, 2015. Collection method: clinical testing. Allele origin: germline.

PreventionGenetics, part of Exact Sciences
Classification: Likely benign for STAT1-related condition. Last evaluated: 2019-09-23. Review status: no assertion criteria provided. Collection method: clinical testing. Allele origin: germline. Not counted in ClinVar's aggregate classification.
Comment: This variant is classified as likely benign based on ACMG/AMP sequence variant interpretation guidelines (Richards et al. 2015 PMID: 25741868, with internal and published modifications).

NM_007315.4(STAT1):c.1431G>A (p.Leu477=)

Gene: STAT1 (signal transducer and activator of transcription 1; minus strand). Cytogenetic location: 2q32.2.
Variant type: single nucleotide variant.
Coding change: c.1431G>A on transcript NM_007315.4 (MANE Select); coding-DNA position 1431, G replaced by A.
Protein change: p.Leu477=; no amino-acid change (leucine 477 retained).
Molecular consequence: synonymous variant.
Genome position (GRCh38, 1-based): chr2:190,983,657, C>T on the plus strand (G>A on the coding strand, the complement: STAT1 is on the minus strand). VCF-style: chr2-190983657-C-T. GRCh37 (hg19) VCF-style: chr2-191848383-C-T.
Other names: c.1371G>A, p.Leu457= (NM_001384880.1); c.1437G>A, p.Leu479= (NM_001384881.1, NM_001384884.1); c.1425G>A, p.Leu475= (NM_001384882.1); c.1332G>A, p.Leu444= (NM_001384883.1); c.1272G>A, p.Leu424= (NM_001384885.1); c.1431G>A, p.Leu477= (NM_001384886.1, NM_001384889.1, NM_139266.3); c.1338G>A, p.Leu446= (NM_001384887.1); c.1401G>A, p.Leu467= (NM_001384888.1); and 2 more.
Identifiers: ClinVar variation 650605 (VCV000650605.9), dbSNP rs1384090178, ClinGen allele CA430331865.